The following is an entry in ClinVar:

ClinVar aggregate classification (germline): Pathogenic (1 of 4 stars; one submission).

Submission:

GeneDx
Classification: Pathogenic. Last evaluated: 2017-06-21. Review status: criteria provided, single submitter. Criteria: GeneDx Variant Classification (06012015). Collection method: clinical testing. Allele origin: germline. Affected: yes.
Comment: The Q3917X variant in the KMT2D gene has not been reported previously as a pathogenic variant nor as a benign variant, to our knowledge. This variant is predicted to cause loss of normal protein function either through protein truncation or nonsense-mediated mRNA decay. The Q3917X variant is not observed in large population cohorts (Lek et al., 2016; 1000 Genomes Consortium et al., 2015; Exome Variant Server). We interpret Q3917X as a pathogenic variant

NM_003482.4(KMT2D):c.11749C>T (p.Gln3917Ter)

Gene: KMT2D (lysine methyltransferase 2D; minus strand). Cytogenetic location: 12q13.12.
Variant type: single nucleotide variant.
Coding change: c.11749C>T on transcript NM_003482.4 (MANE Select); coding-DNA position 11749, C replaced by T.
Protein change: p.Gln3917Ter; replaces glutamine 3917 with a stop codon.
Molecular consequence: nonsense.
Genome position (GRCh38, 1-based): chr12:49,032,956, G>A on the plus strand (C>T on the coding strand, the complement: KMT2D is on the minus strand). VCF-style: chr12-49032956-G-A. GRCh37 (hg19) VCF-style: chr12-49426739-G-A.
Other names: short protein forms Q3917*.
Identifiers: ClinVar variation 432835 (VCV000432835.2), dbSNP rs1555188515, ClinGen allele CA384715865.